The following is an entry in ClinVar:

ClinVar aggregate classification (germline): Likely benign. Review status: criteria provided, single submitter (1 of 4 stars). 2 submissions from 2 submitters: Likely benign (1). 1 of the submissions does not count toward it. Last evaluated 2025-12-08.

Conditions:
CHD4-related disorder. Also called: CHD4-related condition.

Allele frequency attached by ClinVar (database versions not stated): TOPMed 0.00005.

Submissions (2):

Labcorp Genetics (formerly Invitae), Labcorp
Classification: Likely benign. Last evaluated: 2025-12-08. Review status: criteria provided, single submitter. Criteria: Invitae Variant Classification Sherloc (09022015). Collection method: clinical testing. Allele origin: germline.

PreventionGenetics, part of Exact Sciences
Classification: Likely benign for CHD4-related condition. Last evaluated: 2023-01-31. Review status: no assertion criteria provided. Collection method: clinical testing. Allele origin: germline. Not counted in ClinVar's aggregate classification.
Comment: This variant is classified as likely benign based on ACMG/AMP sequence variant interpretation guidelines (Richards et al. 2015 PMID: 25741868, with internal and published modifications).

NM_001273.5(CHD4):c.2692C>T (p.Leu898=)

Gene: CHD4 (chromodomain helicase DNA binding protein 4; minus strand). Cytogenetic location: 12p13.31.
Variant type: single nucleotide variant.
Coding change: c.2692C>T on transcript NM_001273.5 (MANE Select); coding-DNA position 2692, C replaced by T.
Protein change: p.Leu898=; no amino-acid change (leucine 898 retained).
Molecular consequence: synonymous variant.
Genome position (GRCh38, 1-based): chr12:6,592,778, G>A on the plus strand (C>T on the coding strand, the complement: CHD4 is on the minus strand). VCF-style: chr12-6592778-G-A. GRCh37 (hg19) VCF-style: chr12-6701944-G-A.
Other names: c.2671C>T, p.Leu891= (NM_001297553.2); c.2653C>T, p.Leu885= (NM_001363606.2).
Identifiers: ClinVar variation 745855 (VCV000745855.10), dbSNP rs910720220, ClinGen allele CA232392762.